The following is an entry in ClinVar:

ClinVar aggregate classification (germline): Uncertain significance (1 of 4 stars; one submission).

Submission:

GeneDx
Classification: Uncertain significance. Last evaluated: 2019-03-18. Review status: criteria provided, single submitter. Criteria: GeneDx Variant Classification Process June 2021. Collection method: clinical testing. Allele origin: germline. Affected: yes.
Comment: Not observed in large population cohorts (Lek et al., 2016); In silico analysis, which includes protein predictors and evolutionary conservation, supports a deleterious effect; Has not been previously published as pathogenic or benign to our knowledge

NM_002024.6(FMR1):c.71A>G (p.His24Arg)

Gene: FMR1 (fragile X messenger ribonucleoprotein 1; plus strand). Cytogenetic location: Xq27.3.
Variant type: single nucleotide variant.
Coding change: c.71A>G on transcript NM_002024.6 (MANE Select); coding-DNA position 71, A replaced by G.
Protein change: p.His24Arg; replaces histidine 24 with arginine.
Molecular consequence: missense variant. On other transcripts: non-coding transcript variant (2).
Genome position (GRCh38, 1-based): chrX:147,921,952, A>G. VCF-style: chrX-147921952-A-G. GRCh37 (hg19) VCF-style: chrX-147003470-A-G.
Other names: c.71A>G, p.His24Arg (NM_001185075.2, NM_001185076.2, NM_001185081.2 and 1 more transcripts); short protein forms H24R.
Identifiers: ClinVar variation 1304008 (VCV001304008.2), dbSNP rs2124471879, ClinGen allele CA414434444.